The following is an entry in ClinVar:

NM_017613.4(DONSON):c.1586C>T (p.Thr529Ile)

Gene: DONSON (DNA replication fork stabilization factor DONSON; minus strand). Cytogenetic location: 21q22.11.
Variant type: single nucleotide variant.
Coding change: c.1586C>T on transcript NM_017613.4 (MANE Select); coding-DNA position 1586, C replaced by T.
Protein change: p.Thr529Ile; replaces threonine 529 with isoleucine.
Molecular consequence: missense variant.
Genome position (GRCh38, 1-based): chr21:33,578,422, G>A on the plus strand (C>T on the coding strand, the complement: DONSON is on the minus strand). VCF-style: chr21-33578422-G-A. GRCh37 (hg19) VCF-style: chr21-34950728-G-A.
Other names: short protein forms T529I.
Identifiers: ClinVar variation 771782 (VCV000771782.36), dbSNP rs141237312, ClinGen allele CA10010263.

ClinVar aggregate classification (germline): Likely benign. Review status: criteria provided, multiple submitters, no conflicts (2 of 4 stars). 5 submissions from 5 submitters: Likely benign (4). 1 of the submissions does not count toward it. Last evaluated 2026-09-01.

Conditions:
DONSON-related disorder. Also called: DONSON-related condition.

Allele frequency attached by ClinVar (database versions not stated): 1000 Genomes Project 30x 0.00094; 1000 Genomes Project 0.00100; gnomAD 0.00273 and 0.00276; TOPMed 0.00283; gnomAD exomes 0.00290 and 0.00402; ExAC 0.00298; ESP Exome Variant Server 0.00384.
gnomAD v4.1: 6,290 of 1,613,782 alleles (0.39%); highest among the groups gnomAD compares: Middle Eastern, 0.5%; 11 homozygotes.

Submissions (5):

CeGaT Center for Human Genetics Tuebingen
Classification: Likely benign. Last evaluated: 2026-09-01. Review status: criteria provided, single submitter. Criteria: CeGaT Center For Human Genetics Tuebingen Variant Classification Criteria Version 2. Collection method: clinical testing. Allele origin: germline. Affected: yes. Observed: 2 variant alleles.
Comment: DONSON: BP4, BS2

Labcorp Genetics (formerly Invitae), Labcorp
Classification: Likely benign. Last evaluated: 2026-02-01. Review status: criteria provided, single submitter. Criteria: Invitae Variant Classification Sherloc (09022015). Collection method: clinical testing. Allele origin: germline.

Blueprint Genetics
Classification: Likely benign. Last evaluated: 2024-11-28. Review status: criteria provided, single submitter. Criteria: ACMG Guidelines, 2015. Collection method: clinical testing. Allele origin: germline.

Breakthrough Genomics
Classification: Likely benign. Review status: criteria provided, single submitter. Criteria: ACMG Guidelines, 2015. Collection method: not provided. Allele origin: germline. Inheritance: Autosomal recessive inheritance. Affected: yes.

PreventionGenetics, part of Exact Sciences
Classification: Likely benign for DONSON-related condition. Last evaluated: 2019-05-07. Review status: no assertion criteria provided. Collection method: clinical testing. Allele origin: germline. Not counted in ClinVar's aggregate classification.
Comment: This variant is classified as likely benign based on ACMG/AMP sequence variant interpretation guidelines (Richards et al. 2015 PMID: 25741868, with internal and published modifications).